The following is an entry in ClinVar:

NM_001286577.2(C2CD3):c.1394T>G (p.Leu465Arg)

Gene: C2CD3 (C2 domain containing 3 centriole elongation regulator; minus strand). Cytogenetic location: 11q13.4.
Variant type: single nucleotide variant.
Coding change: c.1394T>G on transcript NM_001286577.2 (MANE Select); coding-DNA position 1394, T replaced by G.
Protein change: p.Leu465Arg; replaces leucine 465 with arginine.
Molecular consequence: missense variant.
Genome position (GRCh38, 1-based): chr11:74,118,354, A>C on the plus strand (T>G on the coding strand, the complement: C2CD3 is on the minus strand). VCF-style: chr11-74118354-A-C. GRCh37 (hg19) VCF-style: chr11-73829399-A-C.
Other names: c.1394T>G (NM_015531.4); c.1394T>G, p.Leu465Arg (NM_015531.6); short protein forms L465R.
Identifiers: ClinVar variation 2067097 (VCV002067097.4), dbSNP rs764866687, ClinGen allele CA6182954.

ClinVar aggregate classification (germline): Uncertain significance. Review status: criteria provided, multiple submitters, no conflicts (2 of 4 stars). 2 submissions from 2 submitters: Uncertain significance (2). Last evaluated 2025-11-03.

Conditions:
Inborn genetic diseases. Identifiers: MedGen C0950123, MeSH D030342.

Allele frequency attached by ClinVar (database versions not stated): gnomAD 0.00001; ExAC 0.00002; gnomAD exomes 0.00002; TOPMed 0.00003.
gnomAD v4.1: 12 of 1,613,082 alleles (0.00074%); highest among the groups gnomAD compares: Admixed American, 0.02%; no homozygotes.

Submissions (2):

Ambry Genetics
Classification: Uncertain significance for Inborn genetic diseases. Last evaluated: 2025-11-03. Review status: criteria provided, single submitter. Criteria: Ambry Variant Classification Scheme 2023. Collection method: clinical testing. Allele origin: germline.

Labcorp Genetics (formerly Invitae), Labcorp
Classification: Uncertain significance. Last evaluated: 2022-03-10. Review status: criteria provided, single submitter. Criteria: Invitae Variant Classification Sherloc (09022015). Collection method: clinical testing. Allele origin: germline.
Comment: This sequence change replaces leucine, which is neutral and non-polar, with arginine, which is basic and polar, at codon 465 of the C2CD3 protein (p.Leu465Arg). This variant is present in population databases (rs764866687, gnomAD 0.03%). This variant has not been reported in the literature in individuals affected with C2CD3-related conditions. Algorithms developed to predict the effect of missense changes on protein structure and function are either unavailable or do not agree on the potential impact of this missense change (SIFT: "Tolerated"; PolyPhen-2: "Possibly Damaging"; Align-GVGD: "Class C0"). In summary, the available evidence is currently insufficient to determine the role of this variant in disease. Therefore, it has been classified as a Variant of Uncertain Significance.